The following is an entry in ClinVar:

NM_019892.6(INPP5E):c.1660T>C (p.Tyr554His)

Gene: INPP5E (inositol polyphosphate-5-phosphatase E; minus strand). Cytogenetic location: 9q34.3.
Variant type: single nucleotide variant.
Coding change: c.1660T>C on transcript NM_019892.6 (MANE Select); coding-DNA position 1660, T replaced by C.
Protein change: p.Tyr554His; replaces tyrosine 554 with histidine.
Molecular consequence: missense variant.
Genome position (GRCh38, 1-based): chr9:136,431,007, A>G on the plus strand (T>C on the coding strand, the complement: INPP5E is on the minus strand). VCF-style: chr9-136431007-A-G. GRCh37 (hg19) VCF-style: chr9-139325459-A-G.
Other names: c.1657T>C, p.Tyr553His (NM_001318502.2); short protein forms Y553H, Y554H.
Identifiers: ClinVar variation 4986676 (VCV004986676.1).

ClinVar aggregate classification (germline): Uncertain significance (1 of 4 stars; one submission).

Conditions:
INPP5E-related disorder. Also called: INPP5E-related condition.

gnomAD v4.1: 1 of 1,604,374 alleles (0.000062%); highest among the groups gnomAD compares: Non-Finnish European, 0.000085%; no homozygotes.

Submission:

PreventionGenetics, part of Exact Sciences
Classification: Uncertain significance for INPP5E-related condition. Last evaluated: 2025-11-04. Review status: criteria provided, single submitter. Criteria: ACMG Guidelines, 2015. Collection method: clinical testing. Allele origin: germline.
Comment: The INPP5E c.1660T>C variant is predicted to result in the amino acid substitution p.Tyr554His. To our knowledge, this variant has not been reported in the literature or in a large population database (gnomAD), indicating this variant is rare. At this time, the clinical significance of this variant is uncertain due to the absence of conclusive functional and genetic evidence.